The following is an entry in ClinVar:

ClinVar aggregate classification (germline): Uncertain significance (1 of 4 stars; one submission).

Submission:

Ambry Genetics
Classification: Uncertain significance. Last evaluated: 2025-09-20. Review status: criteria provided, single submitter. Criteria: Ambry Variant Classification Scheme 2023. Collection method: clinical testing. Allele origin: germline.
Comment: The p.W719G variant (also known as c.2155T>G), located in coding exon 1 of the MLH3 gene, results from a T to G substitution at nucleotide position 2155. The tryptophan at codon 719 is replaced by glycine, an amino acid with highly dissimilar properties. This amino acid position is conserved. In addition, this alteration is predicted to be tolerated by in silico analysis. Based on the available evidence, the clinical significance of this variant remains unclear.

NM_001040108.2(MLH3):c.2155T>G (p.Trp719Gly)

Gene: MLH3 (mutL homolog 3; minus strand). Cytogenetic location: 14q24.3.
Variant type: single nucleotide variant.
Coding change: c.2155T>G on transcript NM_001040108.2 (MANE Select); coding-DNA position 2155, T replaced by G.
Protein change: p.Trp719Gly; replaces tryptophan 719 with glycine.
Molecular consequence: missense variant.
Genome position (GRCh38, 1-based): chr14:75,047,501, A>C on the plus strand (T>G on the coding strand, the complement: MLH3 is on the minus strand). VCF-style: chr14-75047501-A-C. GRCh37 (hg19) VCF-style: chr14-75514204-A-C.
Other names: c.2155T>G, p.Trp719Gly (NM_014381.3); short protein forms W719G.
Identifiers: ClinVar variation 4552067 (VCV004552067.1).
Genomic context (GRCh38, chr14:75,047,501, plus strand): 5'-GTTTGGAGAAACCAATTAATTTATCTGTTTTCCTACTATCATTGGAAACGTGTCTATACC[A>C]GGGGAAAGAGGGGGATGTATCAGATAATATGCAATCTGTTTGTGATTTTTTGCTACCTTC-3'
Protein context (NP_001035197.1, residues 709-729): ILSDTSPSFP[Trp719Gly]YRHVSNDSRK